The following is an entry in ClinVar:

ClinVar aggregate classification (germline): Likely pathogenic (1 of 4 stars; one submission).

Conditions:
Nemaline myopathy 2 (NEM2). Also called: Nemaline myopathy 2, autosomal recessive. Identifiers: MedGen C1850569, MONDO:0009725, OMIM 256030.

Submission:

Myriad Genetics, Inc.
Classification: Likely pathogenic for Nemaline myopathy 2. Last evaluated: 2022-02-25. Review status: criteria provided, single submitter. Criteria: Myriad Women's Health Autosomal Recessive and X-Linked Classification Criteria (2021). Collection method: clinical testing. Allele origin: unknown.
Comment: NM_001271208.1(NEB):c.3328A>T(K1110*) is expected to be pathogenic in the context of NEB-related nemaline myopathy. This variant is predicted to lead to an abnormal or absent protein product due to the creation of a premature termination codon in NEB, a gene where loss-of-function variants are known to be pathogenic. Please note: this variant was assessed in the context of healthy population screening.

NM_001164508.2(NEB):c.3328A>T (p.Lys1110Ter)

Gene: NEB (nebulin; minus strand). Cytogenetic location: 2q23.3.
Variant type: single nucleotide variant.
Coding change: c.3328A>T on transcript NM_001164508.2 (MANE Select); coding-DNA position 3328, A replaced by T.
Protein change: p.Lys1110Ter; replaces lysine 1110 with a stop codon.
Molecular consequence: nonsense.
Genome position (GRCh38, 1-based): chr2:151,678,115, T>A on the plus strand (A>T on the coding strand, the complement: NEB is on the minus strand). VCF-style: chr2-151678115-T-A. GRCh37 (hg19) VCF-style: chr2-152534629-T-A.
Other names: c.3328A>T, p.Lys1110Ter (NM_001164507.2, NM_001271208.2, NM_004543.5); short protein forms K1110*.
Identifiers: ClinVar variation 1724763 (VCV001724763.2), dbSNP rs2552262736, ClinGen allele CA348819363.